The following is an entry in ClinVar:

ClinVar aggregate classification (germline): Likely benign (1 of 4 stars; one submission).

Allele frequency attached by ClinVar (database versions not stated): 1000 Genomes Project 0.00100; 1000 Genomes Project 30x 0.00141; ESP Exome Variant Server 0.00215; ExAC 0.00346; gnomAD exomes 0.00350; gnomAD 0.00399.
gnomAD v4.1: 5,499 of 1,571,540 alleles (0.35%); highest among the groups gnomAD compares: Non-Finnish European, 0.35%; 29 homozygotes.

Submission:

CeGaT Center for Human Genetics Tuebingen
Classification: Likely benign. Last evaluated: 2022-10-01. Review status: criteria provided, single submitter. Criteria: CeGaT Center For Human Genetics Tuebingen Variant Classification Criteria Version 2. Collection method: clinical testing. Allele origin: germline. Affected: yes. Observed: 1 variant allele.
Comment: APBB1IP: BP4

NM_019043.4(APBB1IP):c.1998C>T (p.Ser666=)

Gene: APBB1IP (amyloid beta precursor protein binding family B member 1 interacting protein; plus strand). Cytogenetic location: 10p12.1.
Variant type: single nucleotide variant.
Coding change: c.1998C>T on transcript NM_019043.4 (MANE Select); coding-DNA position 1998, C replaced by T.
Protein change: p.Ser666=; no amino-acid change (serine 666 retained).
Molecular consequence: synonymous variant.
Genome position (GRCh38, 1-based): chr10:26,567,485, C>T. VCF-style: chr10-26567485-C-T. GRCh37 (hg19) VCF-style: chr10-26856414-C-T.
Identifiers: ClinVar variation 2640366 (VCV002640366.24), dbSNP rs150768801, ClinGen allele CA5446821.
Genomic context (GRCh38, chr10:26,567,485, plus strand): 5'-GGAGCAAGATTTCATGTCAGACCTCATGAAAGCTTTGCAAAAGAAGAGAGGCAACGTGTC[C>T]TAGGGACGGGCATGATGAGTGTTCCAGAGGGAGAAGCATCGCTGACCCCGAGCGCAGGTT-3'
Protein context (NP_061916.3, residues 656-666): KALQKKRGNV[Ser666=]